The following is an entry in ClinVar:

NM_001009944.3(PKD1):c.5759G>A (p.Arg1920His)

Gene: PKD1 (polycystin 1, transient receptor potential channel interacting; minus strand). Cytogenetic location: 16p13.3.
Variant type: single nucleotide variant.
Coding change: c.5759G>A on transcript NM_001009944.3 (MANE Select); coding-DNA position 5759, G replaced by A.
Protein change: p.Arg1920His; replaces arginine 1920 with histidine.
Molecular consequence: missense variant.
Genome position (GRCh38, 1-based): chr16:2,109,408, C>T on the plus strand (G>A on the coding strand, the complement: PKD1 is on the minus strand). VCF-style: chr16-2109408-C-T. GRCh37 (hg19) VCF-style: chr16-2159409-C-T.
Other names: c.5759G>A, p.Arg1920His (NM_000296.4); c.5759G>A (NM_000296.3); short protein forms R1920H.
Identifiers: ClinVar variation 1806271 (VCV001806271.4), dbSNP rs776028509, ClinGen allele CA7831868.

ClinVar aggregate classification (germline): Conflicting classifications of pathogenicity. Review status: criteria provided, conflicting classifications (1 of 4 stars). 4 submissions from 4 submitters: Uncertain significance (2); Likely benign (2). Last evaluated 2024-11-20.

Conditions:
Polycystic kidney disease, adult type (PKD1). Also called: POLYCYSTIC KIDNEY DISEASE 1 WITH OR WITHOUT POLYCYSTIC LIVER DISEASE; Polycystic Kidney Disease 1, Autosomal Dominant; Polycystic kidney disease 1; Polycystic kidney disease 1, severe; POLYCYSTIC KIDNEY DISEASE, ADULT, TYPE I; Polycystic Kidney, Autosomal Dominant. Identifiers: MedGen C3149841, MONDO:0008263, OMIM 173900.
Inborn genetic diseases. Identifiers: MedGen C0950123, MeSH D030342.

Allele frequency attached by ClinVar (database versions not stated): gnomAD 0.00003; ExAC 0.00004; TOPMed 0.00005.
gnomAD v4.1: 46 of 1,600,816 alleles (0.0029%); highest among the groups gnomAD compares: African/African-American, 0.004%; no homozygotes.

Submissions (4):

Ambry Genetics
Classification: Likely benign for Inborn genetic diseases. Last evaluated: 2024-11-20. Review status: criteria provided, single submitter. Criteria: Ambry Variant Classification Scheme 2023. Collection method: clinical testing. Allele origin: germline.

Fulgent Genetics
Classification: Uncertain significance for Polycystic kidney disease, adult type. Last evaluated: 2024-04-17. Review status: criteria provided, single submitter. Criteria: ACMG Guidelines, 2015. Collection method: clinical testing. Allele origin: germline.

Blueprint Genetics
Classification: Likely benign. Last evaluated: 2021-06-27. Review status: criteria provided, single submitter. Criteria: ACMG Guidelines, 2015. Collection method: clinical testing. Allele origin: germline.

Victorian Clinical Genetics Services, Murdoch Childrens Research Institute
Classification: Uncertain significance for Polycystic kidney disease, adult type. Last evaluated: 2020-05-25. Review status: criteria provided, single submitter. Criteria: ACMG Guidelines, 2015. Collection method: clinical testing. Allele origin: germline. Inheritance: Autosomal dominant inheritance. Affected: yes.
Comment: Based on the classification scheme VCGS_Germline_v1.1.1, this variant is classified as 3C-VUS. Following criteria are met: 0102 - Loss-of-function is a known mechanism of disease for this gene. (N) 0107 - This gene is known to be associated with autosomal dominant disease. (N) 0112 - Variants in this gene are known to have reduced penetrance (PMID:29326913). (N) 0200 - Variant is predicted to result in a missense amino acid change from arginine to histidine (exon 15). (N) 0251 - Variant is heterozygous. (N) 0302 - Variant is present in gnomAD <0.001 for a dominant condition (5 heterozygotes, 0 homozygotes). (P) 0309 - Alternative amino acid changes at the same position have been observed in gnomAD (p.(Arg1920Leu): 1 heterozygote, 0 homozygotes; p.(Arg1920Cys): 21 heterozygotes, 0 homozygotes; p.(Arg1920Gly): 4 heterozygotes, 0 homozygotes). (N) 0503 - Missense variant consistently predicted to be tolerated and not conserved in mammals with a minor amino acid change. (B) 0504 - Same amino acid change has been observed in mammals. (B) 0600 - Variant is located in an annotated domain or motif (PKD domain; PDB). (N) 0705 - No comparable variants have previous evidence for pathogenicity. (N) 0807 - Variant has not previously been reported in a clinical context. (N) 0905 - No segregation evidence has been identified for this variant. (N) 1007 - No published functional evidence has been identified for this variant. (N) 1208 - Inheritance information for this variant is not currently available. (N) Legend: (P) - Pathogenic, (N) - Neutral, (B) - Benign

Literature cited by the submitters: PubMed 29326913 (cited by Victorian Clinical Genetics Services, Murdoch Childrens Research Institute).